The following is an entry in ClinVar:

NM_005956.4(MTHFD1):c.939G>C (p.Lys313Asn)

Gene: MTHFD1 (methylenetetrahydrofolate dehydrogenase, cyclohydrolase and formyltetrahydrofolate synthetase 1; plus strand). Cytogenetic location: 14q23.3.
Variant type: single nucleotide variant.
Coding change: c.939G>C on transcript NM_005956.4 (MANE Select); coding-DNA position 939, G replaced by C.
Protein change: p.Lys313Asn; replaces lysine 313 with asparagine.
Molecular consequence: missense variant.
Genome position (GRCh38, 1-based): chr14:64,425,813, G>C. VCF-style: chr14-64425813-G-C. GRCh37 (hg19) VCF-style: chr14-64892531-G-C.
Other names: c.939G>C, p.Lys313Asn (NM_001364837.1); short protein forms K313N.
Identifiers: ClinVar variation 1418889 (VCV001418889.8), dbSNP rs763959669, ClinGen allele CA7226073.

ClinVar aggregate classification (germline): Uncertain significance (1 of 4 stars; one submission).

Allele frequency attached by ClinVar (database versions not stated): gnomAD 0.00001; gnomAD exomes 0.00001; TOPMed 0.00002.
gnomAD v4.1: 20 of 1,613,648 alleles (0.0012%); highest among the groups gnomAD compares: Admixed American, 0.0067%; no homozygotes.

Submission:

Labcorp Genetics (formerly Invitae), Labcorp
Classification: Uncertain significance. Last evaluated: 2022-07-12. Review status: criteria provided, single submitter. Criteria: Invitae Variant Classification Sherloc (09022015). Collection method: clinical testing. Allele origin: germline.
Comment: This sequence change replaces lysine, which is basic and polar, with asparagine, which is neutral and polar, at codon 313 of the MTHFD1 protein (p.Lys313Asn). In summary, the available evidence is currently insufficient to determine the role of this variant in disease. Therefore, it has been classified as a Variant of Uncertain Significance. Algorithms developed to predict the effect of missense changes on protein structure and function are either unavailable or do not agree on the potential impact of this missense change (SIFT: "Deleterious"; PolyPhen-2: "Benign"; Align-GVGD: "Class C0"). ClinVar contains an entry for this variant (Variation ID: 1418889). This variant has not been reported in the literature in individuals affected with MTHFD1-related conditions. This variant is present in population databases (rs763959669, gnomAD 0.01%).